The following is an entry in ClinVar:

NM_001378778.1(MPDZ):c.1187G>C (p.Gly396Ala)

Gene: MPDZ (multiple PDZ domain crumbs cell polarity complex component; minus strand). Cytogenetic location: 9p23.
Variant type: single nucleotide variant.
Coding change: c.1187G>C on transcript NM_001378778.1 (MANE Select); coding-DNA position 1187, G replaced by C.
Protein change: p.Gly396Ala; replaces glycine 396 with alanine.
Molecular consequence: missense variant.
Genome position (GRCh38, 1-based): chr9:13,217,194, C>G on the plus strand (G>C on the coding strand, the complement: MPDZ is on the minus strand). VCF-style: chr9-13217194-C-G. GRCh37 (hg19) VCF-style: chr9-13217193-C-G.
Other names: c.1187G>C, p.Gly396Ala (NM_001261406.2, NM_001261407.2, NM_001330637.2 and 14 more transcripts); short protein forms G396A.
Identifiers: ClinVar variation 1488818 (VCV001488818.5), dbSNP rs1958457505, ClinGen allele CA372944754.

ClinVar aggregate classification (germline): Uncertain significance (1 of 4 stars; one submission).

Submission:

Labcorp Genetics (formerly Invitae), Labcorp
Classification: Uncertain significance. Last evaluated: 2022-09-01. Review status: criteria provided, single submitter. Criteria: Invitae Variant Classification Sherloc (09022015). Collection method: clinical testing. Allele origin: germline.
Comment: This sequence change replaces glycine, which is neutral and non-polar, with alanine, which is neutral and non-polar, at codon 396 of the MPDZ protein (p.Gly396Ala). This variant is not present in population databases (gnomAD no frequency). This variant has not been reported in the literature in individuals affected with MPDZ-related conditions. ClinVar contains an entry for this variant (Variation ID: 1488818). Algorithms developed to predict the effect of missense changes on protein structure and function (SIFT, PolyPhen-2, Align-GVGD) all suggest that this variant is likely to be disruptive. In summary, the available evidence is currently insufficient to determine the role of this variant in disease. Therefore, it has been classified as a Variant of Uncertain Significance.